The following is an entry in ClinVar:

ClinVar aggregate classification (germline): Conflicting classifications of pathogenicity. Review status: criteria provided, conflicting classifications (1 of 4 stars). 5 submissions from 5 submitters: Uncertain significance (2); Likely benign (3). Last evaluated 2025-07-21.

Conditions:
Inborn genetic diseases. Identifiers: MedGen C0950123, MeSH D030342.
Arthrogryposis, distal, with impaired proprioception and touch (DAIPT). Identifiers: MedGen C4310692, MONDO:0014941, OMIM 617146.

Allele frequency attached by ClinVar (database versions not stated): gnomAD 0.00149 and 0.00136; TOPMed 0.00168; gnomAD exomes 0.00034; ExAC 0.00038; 1000 Genomes Project 0.00080; 1000 Genomes Project 30x 0.00094; ESP Exome Variant Server 0.00131.
gnomAD v4.1: 390 of 1,530,136 alleles (0.025%); highest among the groups gnomAD compares: African/African-American, 0.5%; no homozygotes.

Submissions (5):

Labcorp Genetics (formerly Invitae), Labcorp
Classification: Likely benign. Last evaluated: 2025-07-21. Review status: criteria provided, single submitter. Criteria: Invitae Variant Classification Sherloc (09022015). Collection method: clinical testing. Allele origin: germline.

Ambry Genetics
Classification: Uncertain significance for Inborn genetic diseases. Last evaluated: 2025-07-15. Review status: criteria provided, single submitter. Criteria: Ambry Variant Classification Scheme 2023. Collection method: clinical testing. Allele origin: germline.

Department of Paediatrics at Addenbrookes, Cambridge University Hospitals NHS Foundation Trust (UK)
Classification: Uncertain significance for Arthrogryposis, distal, with impaired proprioception and touch. Last evaluated: 2025-05-27. Review status: criteria provided, single submitter. Criteria: Durkie Uk Practice Guidelines For Variant Classification V12 2024 (1). Collection method: clinical testing. Allele origin: unknown.
Comment: PM2_Moderate; BP4_Supporting

GeneDx
Classification: Likely benign. Last evaluated: 2021-06-08. Review status: criteria provided, single submitter. Criteria: GeneDx Variant Classification Process June 2021. Collection method: clinical testing. Allele origin: germline. Affected: yes.
Comment: Has not been previously published as pathogenic or benign to our knowledge; In silico analysis supports that this missense variant does not alter protein structure/function

Breakthrough Genomics
Classification: Likely benign. Review status: criteria provided, single submitter. Criteria: ACMG Guidelines, 2015. Collection method: not provided. Allele origin: germline. Inheritance: Autosomal recessive inheritance. Affected: yes.

NM_001378183.1(PIEZO2):c.1249G>C (p.Val417Leu)

Gene: PIEZO2 (piezo type mechanosensitive ion channel component 2; minus strand). Cytogenetic location: 18p11.22.
Variant type: single nucleotide variant.
Coding change: c.1249G>C on transcript NM_001378183.1 (MANE Select); coding-DNA position 1249, G replaced by C.
Protein change: p.Val417Leu; replaces valine 417 with leucine.
Molecular consequence: missense variant.
Genome position (GRCh38, 1-based): chr18:10,800,466, C>G on the plus strand (G>C on the coding strand, the complement: PIEZO2 is on the minus strand). VCF-style: chr18-10800466-C-G. GRCh37 (hg19) VCF-style: chr18-10800464-C-G.
Other names: c.1249G>C, p.Val417Leu (NM_022068.4); short protein forms V417L.
Identifiers: ClinVar variation 713398 (VCV000713398.15), dbSNP rs369473273, ClinGen allele CA8892753.